The following is an entry in ClinVar:

NM_003235.5(TG):c.3652_3653delinsAT (p.Pro1218Ile)

Gene: TG (thyroglobulin; plus strand). Cytogenetic location: 8q24.22.
Variant type: Indel.
Coding change: c.3652_3653delinsAT on transcript NM_003235.5 (MANE Select); coding-DNA positions 3652 to 3653, CC replaced by AT.
Protein change: p.Pro1218Ile; replaces proline 1218 with isoleucine.
Molecular consequence: missense variant.
Genome position (GRCh38, 1-based): chr8:132,906,705-132,906,706, CC replaced by AT. VCF-style: chr8-132906705-CC-AT. GRCh37 (hg19) VCF-style: chr8-133918950-CC-AT.
Other names: short protein forms P1218I.
Identifiers: ClinVar variation 1315830 (VCV001315830.2), dbSNP rs2132331772, ClinGen allele CA2573052972.

ClinVar aggregate classification (germline): Uncertain significance (1 of 4 stars; one submission).

Submission:

GeneDx
Classification: Uncertain significance. Last evaluated: 2019-10-01. Review status: criteria provided, single submitter. Criteria: GeneDx Variant Classification Process June 2021. Collection method: clinical testing. Allele origin: germline. Affected: yes.
Comment: Not observed at a significant frequency in large population cohorts (Lek et al., 2016); In silico analysis, which includes protein predictors and evolutionary conservation, supports a deleterious effect; Has not been previously published as pathogenic or benign to our knowledge